The following is an entry in ClinVar:

NM_017514.5(PLXNA3):c.4905C>T (p.His1635=)

Gene: PLXNA3 (plexin A3; plus strand). Cytogenetic location: Xq28.
Variant type: single nucleotide variant.
Coding change: c.4905C>T on transcript NM_017514.5 (MANE Select); coding-DNA position 4905, C replaced by T.
Protein change: p.His1635=; no amino-acid change (histidine 1635 retained).
Molecular consequence: synonymous variant.
Genome position (GRCh38, 1-based): chrX:154,470,086, C>T. VCF-style: chrX-154470086-C-T. GRCh37 (hg19) VCF-style: chrX-153698429-C-T.
Identifiers: ClinVar variation 3357003 (VCV003357003.1).
Genomic context (GRCh38, chrX:154,470,086, plus strand): 5'-ACCCATGATTACGCCTGACCAGGAGACAGGCACCAAATTGTGGCACCTGGTGAAAAACCA[C>T]GACCATGCCGACCATCGCGAGGGGGACCGTGGCAGCAAGATGGTCTCCGAGATCTACCTG-3'
Protein context (NP_059984.3, residues 1625-1645): GTKLWHLVKN[His1635=]DHADHREGDR

ClinVar aggregate classification (germline): Likely benign (0 of 4 stars; one submission).

Conditions:
PLXNA3-related disorder. Also called: PLXNA3-related condition.

gnomAD v4.1: 31 of 1,210,206 alleles (0.0026%); highest among the groups gnomAD compares: East Asian, 0.083%; no homozygotes.

Submission:

PreventionGenetics, part of Exact Sciences
Classification: Likely benign for PLXNA3-related condition. Last evaluated: 2024-04-09. Review status: no assertion criteria provided. Collection method: clinical testing. Allele origin: germline.
Comment: This variant is classified as likely benign based on ACMG/AMP sequence variant interpretation guidelines (Richards et al. 2015 PMID: 25741868, with internal and published modifications).